The following is an entry in ClinVar:

ClinVar aggregate classification (germline): Uncertain significance. Review status: criteria provided, multiple submitters, no conflicts (2 of 4 stars). 2 submissions from 2 submitters: Uncertain significance (2). Last evaluated 2025-08-25.

Conditions:
Joubert syndrome. Also called: CEREBELLOPARENCHYMAL DISORDER IV; JOUBERT-BOLTSHAUSER SYNDROME; Familial aplasia of the vermis. Identifiers: Orphanet 475, MedGen C5979921, MONDO:0018772.
Meckel-Gruber syndrome. Also called: DYSENCEPHALIA SPLANCHNOCYSTICA; GRUBER SYNDROME; Dysencephalia splachnocystica. Identifiers: Orphanet 564, MedGen C0265215, MONDO:0018921.
Inborn genetic diseases. Identifiers: MedGen C0950123, MeSH D030342.

Allele frequency attached by ClinVar (database versions not stated): gnomAD exomes below 0.00001; gnomAD 0.00005; TOPMed 0.00007.
gnomAD v4.1: 16 of 1,614,066 alleles (0.00099%); highest among the groups gnomAD compares: African/African-American, 0.019%; no homozygotes.

Submissions (2):

Ambry Genetics
Classification: Uncertain significance for Inborn genetic diseases. Last evaluated: 2025-08-25. Review status: criteria provided, single submitter. Criteria: Ambry Variant Classification Scheme 2023. Collection method: clinical testing. Allele origin: germline.

Labcorp Genetics (formerly Invitae), Labcorp
Classification: Uncertain significance for Joubert syndrome; Meckel-Gruber syndrome. Last evaluated: 2023-12-27. Review status: criteria provided, single submitter. Criteria: Invitae Variant Classification Sherloc (09022015). Collection method: clinical testing. Allele origin: germline.
Comment: This sequence change replaces phenylalanine, which is neutral and non-polar, with leucine, which is neutral and non-polar, at codon 246 of the TCTN2 protein (p.Phe246Leu). This variant is present in population databases (no rsID available, gnomAD 0.008%). This variant has not been reported in the literature in individuals affected with TCTN2-related conditions. ClinVar contains an entry for this variant (Variation ID: 2196504). Advanced modeling of protein sequence and biophysical properties (such as structural, functional, and spatial information, amino acid conservation, physicochemical variation, residue mobility, and thermodynamic stability) performed at Invitae indicates that this missense variant is expected to disrupt TCTN2 protein function with a positive predictive value of 80%. In summary, the available evidence is currently insufficient to determine the role of this variant in disease. Therefore, it has been classified as a Variant of Uncertain Significance.

NM_024809.5(TCTN2):c.738C>G (p.Phe246Leu)

Gene: TCTN2 (tectonic family member 2; plus strand). Cytogenetic location: 12q24.31.
Variant type: single nucleotide variant.
Coding change: c.738C>G on transcript NM_024809.5 (MANE Select); coding-DNA position 738, C replaced by G.
Protein change: p.Phe246Leu; replaces phenylalanine 246 with leucine.
Molecular consequence: missense variant.
Genome position (GRCh38, 1-based): chr12:123,687,009, C>G. VCF-style: chr12-123687009-C-G. GRCh37 (hg19) VCF-style: chr12-124171556-C-G.
Other names: c.735C>G, p.Phe245Leu (NM_001143850.3); c.738C>G, p.Phe246Leu (NM_001410989.1); c.738C>G (NM_024809.3); short protein forms F245L, F246L.
Identifiers: ClinVar variation 2196504 (VCV002196504.3), dbSNP rs899417311, ClinGen allele CA245195672.
Genomic context (GRCh38, chr12:123,687,009, plus strand): 5'-TGGTGTCCCCGATTGGTTTCCCTTTCTGTGTGTGCAGTCCCCCCTTGCCAACACACCCTT[C>G]CTTGGTTACTTCTATCATGGTGCTGTGTAAGTGTCTGAGCAGCCGCCTGGGATGGGGCAT-3'
Protein context (NP_079085.2, residues 236-256): CVQSPLANTP[Phe246Leu]LGYFYHGAVS